The following is an entry in ClinVar:

NM_000629.3(IFNAR1):c.55T>G (p.Trp19Gly)

Genes: IFNAR1 (interferon alpha and beta receptor subunit 1; plus strand), LOC119230225 (IFNAR1 promoter region; plus strand). Cytogenetic location: 21q22.11.
Variant type: single nucleotide variant.
Coding change: c.55T>G on transcript NM_000629.3 (MANE Select); coding-DNA position 55, T replaced by G.
Protein change: p.Trp19Gly; replaces tryptophan 19 with glycine.
Molecular consequence: missense variant. On other transcripts: 5 prime UTR variant (2), intron variant (1).
Genome position (GRCh38, 1-based): chr21:33,325,110, T>G. VCF-style: chr21-33325110-T-G. GRCh37 (hg19) VCF-style: chr21-34697415-T-G.
Other names: c.55T>G, p.Trp19Gly (NM_001384498.1, NM_001384499.1, NM_001384501.1 and 1 more transcripts); c.-732T>G (NM_001384500.1); c.-329T>G (NM_001384502.1); c.-132+472T>G (NM_001384504.1); short protein forms W19G.
Identifiers: ClinVar variation 1354650 (VCV001354650.8), dbSNP rs1227854358, ClinGen allele CA410105013.
Genomic context (GRCh38, chr21:33,325,110, plus strand): 5'-TCCCAGATGATGGTCGTCCTCCTGGGCGCGACGACCCTAGTGCTCGTCGCCGTGGCGCCA[T>G]GGGTGTTGTCCGCAGCCGCAGGTGAGAGGCGGGGAGGAGAGTCTTGGCGCAGGGCGGGAG-3'
Protein context (NP_000620.2, residues 9-29): TTLVLVAVAP[Trp19Gly]VLSAAAGGKN

ClinVar aggregate classification (germline): Uncertain significance (1 of 4 stars; one submission).

Allele frequency attached by ClinVar (database versions not stated): gnomAD 0.00001; gnomAD exomes 0.00001; TOPMed 0.00001.
gnomAD v4.1: 8 of 1,611,444 alleles (0.0005%); highest among the groups gnomAD compares: Non-Finnish European, 0.00068%; no homozygotes.

Submission:

Labcorp Genetics (formerly Invitae), Labcorp
Classification: Uncertain significance. Last evaluated: 2023-09-12. Review status: criteria provided, single submitter. Criteria: Invitae Variant Classification Sherloc (09022015). Collection method: clinical testing. Allele origin: germline.
Comment: In summary, the available evidence is currently insufficient to determine the role of this variant in disease. Therefore, it has been classified as a Variant of Uncertain Significance. An algorithm developed to predict the effect of missense changes on protein structure and function (PolyPhen-2) suggests that this variant is likely to be tolerated. ClinVar contains an entry for this variant (Variation ID: 1354650). This variant has not been reported in the literature in individuals affected with IFNAR1-related conditions. This variant is present in population databases (no rsID available, gnomAD 0.0009%). This sequence change replaces tryptophan, which is neutral and slightly polar, with glycine, which is neutral and non-polar, at codon 19 of the IFNAR1 protein (p.Trp19Gly).